The following is an entry in ClinVar:

NM_005188.4(CBL):c.215A>G (p.Asn72Ser)

Gene: CBL (Cbl proto-oncogene; plus strand). Cytogenetic location: 11q23.3.
Variant type: single nucleotide variant.
Coding change: c.215A>G on transcript NM_005188.4 (MANE Select); coding-DNA position 215, A replaced by G.
Protein change: p.Asn72Ser; replaces asparagine 72 with serine.
Molecular consequence: missense variant.
Genome position (GRCh38, 1-based): chr11:119,232,467, A>G. VCF-style: chr11-119232467-A-G. GRCh37 (hg19) VCF-style: chr11-119103177-A-G.
Other names: short protein forms N72S.
Identifiers: ClinVar variation 3827825 (VCV003827825.1).
Genomic context (GRCh38, chr11:119,232,467, plus strand): 5'-AAATTCTCCAAGTAATAGCCCTTCTTTTTCATTTGTTGCAGGTGGTGCGGTTGTGTCAGA[A>G]CCCAAAGCTGGCGCTAAAGAATAGCCCACCTTATATCTTAGACCTGCTACCAGATACCTA-3'
Protein context (NP_005179.2, residues 62-82): LMDKVVRLCQ[Asn72Ser]PKLALKNSPP

ClinVar aggregate classification (germline): Uncertain significance (1 of 4 stars; one submission).

Conditions:
Cardiovascular phenotype. Identifiers: MedGen CN230736.

Submission:

Ambry Genetics
Classification: Uncertain significance for Cardiovascular phenotype. Last evaluated: 2025-01-27. Review status: criteria provided, single submitter. Criteria: Ambry Variant Classification Scheme 2023. Collection method: clinical testing. Allele origin: germline.
Comment: The p.N72S variant (also known as c.215A>G), located in coding exon 2 of the CBL gene, results from an A to G substitution at nucleotide position 215. The asparagine at codon 72 is replaced by serine, an amino acid with highly similar properties. This amino acid position is conserved. In addition, this alteration is predicted to be tolerated by in silico analysis. Based on the available evidence, the clinical significance of this variant remains unclear.